The following is an entry in ClinVar:

NM_001379500.1(COL18A1):c.814C>A (p.Pro272Thr)

Gene: COL18A1 (collagen type XVIII alpha 1 chain; plus strand). Cytogenetic location: 21q22.3.
Variant type: single nucleotide variant.
Coding change: c.814C>A on transcript NM_001379500.1 (MANE Select); coding-DNA position 814, C replaced by A.
Protein change: p.Pro272Thr; replaces proline 272 with threonine.
Molecular consequence: missense variant.
Genome position (GRCh38, 1-based): chr21:45,476,366, C>A. VCF-style: chr21-45476366-C-A. GRCh37 (hg19) VCF-style: chr21-46896280-C-A.
Other names: NM_130445.2:c.814C>A; c.1354C>A, p.Pro452Thr (NM_030582.4); c.2059C>A, p.Pro687Thr (NM_130444.3); short protein forms P452T, P687T, P272T.
Identifiers: ClinVar variation 1521819 (VCV001521819.7), dbSNP rs764159488, ClinGen allele CA10065941.

ClinVar aggregate classification (germline): Uncertain significance. Review status: criteria provided, multiple submitters, no conflicts (2 of 4 stars). 3 submissions from 3 submitters: Uncertain significance (3). Last evaluated 2026-06-01.

Conditions:
Inborn genetic diseases. Identifiers: MedGen C0950123, MeSH D030342.

Allele frequency attached by ClinVar (database versions not stated): ExAC 0.00001; gnomAD exomes 0.00001; TOPMed 0.00001.
gnomAD v4.1: 11 of 1,614,082 alleles (0.00068%); highest among the groups gnomAD compares: Admixed American, 0.0017%; no homozygotes.

Submissions (3):

CeGaT Center for Human Genetics Tuebingen
Classification: Uncertain significance. Last evaluated: 2026-06-01. Review status: criteria provided, single submitter. Criteria: CeGaT Center For Human Genetics Tuebingen Variant Classification Criteria Version 2. Collection method: clinical testing. Allele origin: germline. Affected: yes. Observed: 1 variant allele.
Comment: COL18A1: PM2

Labcorp Genetics (formerly Invitae), Labcorp
Classification: Uncertain significance. Last evaluated: 2024-10-17. Review status: criteria provided, single submitter. Criteria: Invitae Variant Classification Sherloc (09022015). Collection method: clinical testing. Allele origin: germline.
Comment: This sequence change replaces proline, which is neutral and non-polar, with threonine, which is neutral and polar, at codon 272 of the COL18A1 protein (p.Pro272Thr). This variant is present in population databases (rs764159488, gnomAD 0.003%). This variant has not been reported in the literature in individuals affected with COL18A1-related conditions. ClinVar contains an entry for this variant (Variation ID: 1521819). Experimental studies and prediction algorithms are not available or were not evaluated, and the functional significance of this variant is currently unknown. In summary, the available evidence is currently insufficient to determine the role of this variant in disease. Therefore, it has been classified as a Variant of Uncertain Significance.

Ambry Genetics
Classification: Uncertain significance for Inborn genetic diseases. Last evaluated: 2024-09-08. Review status: criteria provided, single submitter. Criteria: Ambry Variant Classification Scheme 2023. Collection method: clinical testing. Allele origin: germline.